The following is an entry in ClinVar:

ClinVar aggregate classification (germline): Uncertain significance (1 of 4 stars; one submission).

Submission:

Labcorp Genetics (formerly Invitae), Labcorp
Classification: Uncertain significance. Last evaluated: 2023-10-03. Review status: criteria provided, single submitter. Criteria: Invitae Variant Classification Sherloc (09022015). Collection method: clinical testing. Allele origin: germline.
Comment: This sequence change replaces glutamic acid, which is acidic and polar, with glycine, which is neutral and non-polar, at codon 233 of the CRB2 protein (p.Glu233Gly). This variant is not present in population databases (gnomAD no frequency). This variant has not been reported in the literature in individuals affected with CRB2-related conditions. ClinVar contains an entry for this variant (Variation ID: 1463166). Advanced modeling of protein sequence and biophysical properties (such as structural, functional, and spatial information, amino acid conservation, physicochemical variation, residue mobility, and thermodynamic stability) performed at Invitae indicates that this missense variant is not expected to disrupt CRB2 protein function. In summary, the available evidence is currently insufficient to determine the role of this variant in disease. Therefore, it has been classified as a Variant of Uncertain Significance.

NM_173689.7(CRB2):c.698A>G (p.Glu233Gly)

Gene: CRB2 (crumbs cell polarity complex component 2; plus strand). Cytogenetic location: 9q33.3.
Variant type: single nucleotide variant.
Coding change: c.698A>G on transcript NM_173689.7 (MANE Select); coding-DNA position 698, A replaced by G.
Protein change: p.Glu233Gly; replaces glutamic acid 233 with glycine.
Molecular consequence: missense variant.
Genome position (GRCh38, 1-based): chr9:123,366,310, A>G. VCF-style: chr9-123366310-A-G. GRCh37 (hg19) VCF-style: chr9-126128589-A-G.
Other names: short protein forms E233G.
Identifiers: ClinVar variation 1463166 (VCV001463166.8), dbSNP rs2132757168, ClinGen allele CA374857929.